The following is an entry in ClinVar:

NM_002334.4(LRP4):c.2570A>C (p.Asn857Thr)

Gene: LRP4 (LDL receptor related protein 4; minus strand). Cytogenetic location: 11p11.2.
Variant type: single nucleotide variant.
Coding change: c.2570A>C on transcript NM_002334.4 (MANE Select); coding-DNA position 2570, A replaced by C.
Protein change: p.Asn857Thr; replaces asparagine 857 with threonine.
Molecular consequence: missense variant.
Genome position (GRCh38, 1-based): chr11:46,883,913, T>G on the plus strand (A>C on the coding strand, the complement: LRP4 is on the minus strand). VCF-style: chr11-46883913-T-G. GRCh37 (hg19) VCF-style: chr11-46905464-T-G.
Other names: short protein forms N857T.
Identifiers: ClinVar variation 304878 (VCV000304878.10), dbSNP rs754708237, ClinGen allele CA5969856.

ClinVar aggregate classification (germline): Uncertain significance. Review status: criteria provided, multiple submitters, no conflicts (2 of 4 stars). 3 submissions from 3 submitters: Uncertain significance (3). Last evaluated 2024-09-09.

Conditions:
Cenani-Lenz syndactyly syndrome. Also called: SYNDACTYLY, TYPE VII; CENANI SYNDACTYLISM. Identifiers: Orphanet 3258, MedGen C1859309, MONDO:0008931, OMIM 212780.
Congenital myasthenic syndrome 17. Identifiers: Orphanet 590, MedGen C4225377, MONDO:0014578, OMIM 616304.
Sclerosteosis 2 (SOST2). Identifiers: Orphanet 3152, MedGen C3280402, MONDO:0013679, OMIM 614305.
Inborn genetic diseases. Identifiers: MedGen C0950123, MeSH D030342.

Allele frequency attached by ClinVar (database versions not stated): gnomAD exomes 0.00001; ExAC 0.00002.
gnomAD v4.1: 10 of 1,614,194 alleles (0.00062%); highest among the groups gnomAD compares: Non-Finnish European, 0.00085%; no homozygotes.

Submissions (3):

Ambry Genetics
Classification: Uncertain significance for Inborn genetic diseases. Last evaluated: 2024-09-09. Review status: criteria provided, single submitter. Criteria: Ambry Variant Classification Scheme 2023. Collection method: clinical testing. Allele origin: germline.

Labcorp Genetics (formerly Invitae), Labcorp
Classification: Uncertain significance for Cenani-Lenz syndactyly syndrome; Sclerosteosis 2; Congenital myasthenic syndrome 17. Last evaluated: 2022-10-04. Review status: criteria provided, single submitter. Criteria: Invitae Variant Classification Sherloc (09022015). Collection method: clinical testing. Allele origin: germline.
Comment: Advanced modeling of protein sequence and biophysical properties (such as structural, functional, and spatial information, amino acid conservation, physicochemical variation, residue mobility, and thermodynamic stability) performed at Invitae indicates that this missense variant is not expected to disrupt LRP4 protein function. This sequence change replaces asparagine, which is neutral and polar, with threonine, which is neutral and polar, at codon 857 of the LRP4 protein (p.Asn857Thr). This variant is present in population databases (rs754708237, gnomAD 0.003%). This variant has not been reported in the literature in individuals affected with LRP4-related conditions. ClinVar contains an entry for this variant (Variation ID: 304878). In summary, the available evidence is currently insufficient to determine the role of this variant in disease. Therefore, it has been classified as a Variant of Uncertain Significance.

Illumina Laboratory Services, Illumina
Classification: Uncertain significance for Cenani-Lenz syndactyly syndrome. Last evaluated: 2018-01-12. Review status: criteria provided, single submitter. Criteria: ICSL Variant Classification Criteria 13 December 2019. Collection method: clinical testing. Allele origin: germline.